The following is an entry in ClinVar:

ClinVar aggregate classification (germline): Uncertain significance (1 of 4 stars; one submission).

Allele frequency attached by ClinVar (database versions not stated): gnomAD exomes below 0.00001; gnomAD 0.00001; TOPMed 0.00001.
gnomAD v4.1: 3 of 1,606,858 alleles (0.00019%); highest among the groups gnomAD compares: Admixed American, 0.0033%; no homozygotes.

Submission:

Labcorp Genetics (formerly Invitae), Labcorp
Classification: Uncertain significance. Last evaluated: 2023-06-15. Review status: criteria provided, single submitter. Criteria: Invitae Variant Classification Sherloc (09022015). Collection method: clinical testing. Allele origin: germline.
Comment: Algorithms developed to predict the effect of missense changes on protein structure and function output the following: SIFT: "Not Available"; PolyPhen-2: "Probably Damaging"; Align-GVGD: "Not Available". The lysine amino acid residue is found in multiple mammalian species, which suggests that this missense change does not adversely affect protein function. In summary, the available evidence is currently insufficient to determine the role of this variant in disease. Therefore, it has been classified as a Variant of Uncertain Significance. This sequence change replaces glutamic acid, which is acidic and polar, with lysine, which is basic and polar, at codon 99 of the TNFRSF6B protein (p.Glu99Lys). The frequency data for this variant in the population databases is considered unreliable, as metrics indicate poor data quality at this position in the gnomAD database. This variant has not been reported in the literature in individuals affected with TNFRSF6B-related conditions.

NM_003823.4(TNFRSF6B):c.295G>A (p.Glu99Lys)

Genes: RTEL1-TNFRSF6B (RTEL1-TNFRSF6B readthrough (NMD candidate); plus strand), TNFRSF6B (TNF receptor superfamily member 6b; plus strand). Cytogenetic location: 20q13.33.
Variant type: single nucleotide variant.
Coding change: c.295G>A on transcript NM_003823.4 (MANE Select); coding-DNA position 295, G replaced by A.
Protein change: p.Glu99Lys; replaces glutamic acid 99 with lysine.
Molecular consequence: missense variant. On other transcripts: non-coding transcript variant (1).
Genome position (GRCh38, 1-based): chr20:63,697,062, G>A. VCF-style: chr20-63697062-G-A. GRCh37 (hg19) VCF-style: chr20-62328415-G-A.
Other names: short protein forms E99K.
Identifiers: ClinVar variation 3023708 (VCV003023708.3), dbSNP rs1391979880, ClinGen allele CA409711144.